The following is an entry in ClinVar:

NC_000003.12:g.(?_81490397)_(81761527_?)del

Gene: GBE1 (1,4-alpha-glucan branching enzyme 1; minus strand). Cytogenetic location: 3p12.2.
Variant type: Deletion.
Identifiers: ClinVar variation 832626 (VCV000832626.5).

ClinVar aggregate classification (germline): Pathogenic (1 of 4 stars; one submission).

Conditions:
Glycogen storage disease, type IV (GSD4). Also called: AMYLOPECTINOSIS; ANDERSEN DISEASE; BRANCHER DEFICIENCY; CIRRHOSIS, FAMILIAL, WITH DEPOSITION OF ABNORMAL GLYCOGEN; GBE1 DEFICIENCY; GLYCOGEN BRANCHING ENZYME DEFICIENCY. Identifiers: Orphanet 367, MedGen C0017923, MONDO:0009292, OMIM 232500.
Glycogen storage disease IV, classic hepatic. Also called: GSD IV, CLASSIC HEPATIC. Identifiers: MedGen C1856301.

Submission:

Labcorp Genetics (formerly Invitae), Labcorp
Classification: Pathogenic for Glycogen storage disease, type IV; Glycogen storage disease IV, classic hepatic. Last evaluated: 2022-08-20. Review status: criteria provided, single submitter. Criteria: Invitae Variant Classification Sherloc (09022015). Collection method: clinical testing. Allele origin: germline.
Comment: A gross deletion of the genomic region encompassing the full coding sequence of the GBE1 gene has been identified. Loss-of-function variants in GBE1 are known to be pathogenic (PMID: 15452297, 20058079). The boundaries of this event are unknown as they extend beyond the assayed region for this gene and therefore may encompass additional genes. This variant has not been reported in the literature in individuals affected with GBE1-related conditions. For these reasons, this variant has been classified as Pathogenic.

Literature cited by the submitters: PubMed 15452297; PubMed 20058079.